The following is an entry in ClinVar:

NM_001854.4(COL11A1):c.4203A>G (p.Ala1401=)

Gene: COL11A1 (collagen type XI alpha 1 chain; minus strand). Cytogenetic location: 1p21.1.
Variant type: single nucleotide variant.
Coding change: c.4203A>G on transcript NM_001854.4 (MANE Select); coding-DNA position 4203, A replaced by G.
Protein change: p.Ala1401=; no amino-acid change (alanine 1401 retained).
Molecular consequence: synonymous variant. On other transcripts: non-coding transcript variant (1).
Genome position (GRCh38, 1-based): chr1:102,898,711, T>C on the plus strand (A>G on the coding strand, the complement: COL11A1 is on the minus strand). VCF-style: chr1-102898711-T-C. GRCh37 (hg19) VCF-style: chr1-103364267-T-C.
Other names: c.3855A>G, p.Ala1285= (NM_001168249.1, NM_080630.4); c.4086A>G, p.Ala1362= (NM_001190709.2); c.4239A>G, p.Ala1413= (NM_080629.3).
Identifiers: ClinVar variation 3051653 (VCV003051653.2), dbSNP rs2524335014, ClinGen allele CA419195535.
Genomic context (GRCh38, chr1:102,898,711, plus strand): 5'-AACACAGATGCTCACCACAGGACCAGGGATGCCCCGAAGACCTTCTGGACCAGGCTTTCC[T>C]GCAGGTCCCTGAGGACCGACTGGGCCGGTTTTTCCAGGAGGACCTTCTGCACCTGCTTCC-3'
Protein context (NP_001845.3, residues 1391-1411): KTGPVGPQGP[Ala1401=]GKPGPEGLRG

ClinVar aggregate classification (germline): Likely benign (0 of 4 stars; one submission).

Conditions:
COL11A1-related disorder. Also called: COL11A1-related disorders; COL11A1-related condition.

Submission:

PreventionGenetics, part of Exact Sciences
Classification: Likely benign for COL11A1-related condition. Last evaluated: 2022-05-25. Review status: no assertion criteria provided. Collection method: clinical testing. Allele origin: germline.
Comment: This variant is classified as likely benign based on ACMG/AMP sequence variant interpretation guidelines (Richards et al. 2015 PMID: 25741868, with internal and published modifications).